The following is an entry in ClinVar:

ClinVar aggregate classification (germline): Likely benign (1 of 4 stars; one submission).

Allele frequency attached by ClinVar (database versions not stated): 1000 Genomes Project 30x 0.01109; 1000 Genomes Project 0.01158; gnomAD 0.01678 and 0.01734; TOPMed 0.01685.
gnomAD v4.1: 2,609 of 150,472 alleles (1.7%); highest among the groups gnomAD compares: Middle Eastern, 5.2%; 30 homozygotes.

Submission:

GeneDx
Classification: Likely benign. Last evaluated: 2018-06-16. Review status: criteria provided, single submitter. Criteria: GeneDx Variant Classification (06012015). Collection method: clinical testing. Allele origin: germline. Affected: yes.
Comment: This variant is considered likely benign or benign based on one or more of the following criteria: it is a conservative change, it occurs at a poorly conserved position in the protein, it is predicted to be benign by multiple in silico algorithms, and/or has population frequency not consistent with disease.

NM_153033.5(KCTD7):c.144+165C>A

Gene: KCTD7 (potassium channel tetramerization domain containing 7; plus strand). Cytogenetic location: 7q11.21.
Variant type: single nucleotide variant.
Coding change: c.144+165C>A on transcript NM_153033.5 (MANE Select); 165 bases into the intron after coding-DNA position 144, C replaced by A.
Molecular consequence: intron variant.
Genome position (GRCh38, 1-based): chr7:66,629,373, C>A. VCF-style: chr7-66629373-C-A. GRCh37 (hg19) VCF-style: chr7-66094360-C-A.
Other names: c.144+165C>A (NM_001167961.2).
Identifiers: ClinVar variation 672976 (VCV000672976.1), dbSNP rs144762900, ClinGen allele CA160219227.
Genomic context (GRCh38, chr7:66,629,373, plus strand): 5'-GCGGGGCCCGCGGACTTGCGCCCCTCCCCCGCCCACCTGCAACTCCCCCGCCCACCTGCA[C>A]CCCTACCCACCCACCTTCAACCCCTGTCAATTACACCCACTAGGTGTGCTTCCCCACCCC-3'